The following is an entry in ClinVar:

NM_015141.4(GPD1L):c.247G>A (p.Glu83Lys)

Gene: GPD1L (glycerol-3-phosphate dehydrogenase 1 like; plus strand). Cytogenetic location: 3p22.3.
Variant type: single nucleotide variant.
Coding change: c.247G>A on transcript NM_015141.4 (MANE Select); coding-DNA position 247, G replaced by A.
Protein change: p.Glu83Lys; replaces glutamic acid 83 with lysine.
Molecular consequence: missense variant.
Genome position (GRCh38, 1-based): chr3:32,138,608, G>A. VCF-style: chr3-32138608-G-A. GRCh37 (hg19) VCF-style: chr3-32180100-G-A.
Other names: E83K.
Identifiers: ClinVar variation 787 (VCV000000787.22), dbSNP rs72552292, ClinGen allele CA339832.

ClinVar aggregate classification (germline): Conflicting classifications of pathogenicity. Review status: criteria provided, conflicting classifications (1 of 4 stars). 10 submissions from 10 submitters: Uncertain significance (4); Likely benign (1). 5 of the submissions do not count toward it. Last evaluated 2025-11-10.

Conditions:
Cardiovascular phenotype. Identifiers: MedGen CN230736.
Brugada syndrome. Also called: Sudden Unexplained Death Syndrome; Sudden unexpected nocturnal death syndrome; Sudden Unexplained Nocturnal Death Syndrome (SUNDS); Sudden unexplained nocturnal death syndrome. Identifiers: Orphanet 130, MedGen C1142166, MONDO:0015263.
Brugada syndrome 2 (BRGDA2). Identifiers: Orphanet 130, MedGen C2673193, MONDO:0012728, OMIM 611777.

Allele frequency attached by ClinVar (database versions not stated): gnomAD exomes 0.00017; ExAC 0.00017; 1000 Genomes Project 0.00020; TOPMed 0.00026; gnomAD 0.00015 and 0.00018; 1000 Genomes Project 30x 0.00016.
gnomAD v4.1: 269 of 1,614,048 alleles (0.017%); highest among the groups gnomAD compares: Middle Eastern, 0.066%; 1 homozygote.

Submissions (10):

Labcorp Genetics (formerly Invitae), Labcorp
Classification: Uncertain significance for Brugada syndrome. Last evaluated: 2025-11-10. Review status: criteria provided, single submitter. Criteria: Invitae Variant Classification Sherloc (09022015). Collection method: clinical testing. Allele origin: germline.
Comment: This sequence change replaces glutamic acid, which is acidic and polar, with lysine, which is basic and polar, at codon 83 of the GPD1L protein (p.Glu83Lys). This variant is present in population databases (rs72552292, gnomAD 0.03%). This missense change has been observed in individual(s) with cardiac disease (PMID: 17967976, 30847666, 31980526). ClinVar contains an entry for this variant (Variation ID: 787). Invitae Evidence Modeling of protein sequence and biophysical properties (such as structural, functional, and spatial information, amino acid conservation, physicochemical variation, residue mobility, and thermodynamic stability) indicates that this missense variant is not expected to disrupt GPD1L protein function with a negative predictive value of 80%. Experimental studies have shown that this missense change affects GPD1L function (PMID: 17967976, 19666841). In summary, the available evidence is currently insufficient to determine the role of this variant in disease. Therefore, it has been classified as a Variant of Uncertain Significance.

Ambry Genetics
Classification: Likely benign for Cardiovascular phenotype. Last evaluated: 2023-12-19. Review status: criteria provided, single submitter. Criteria: Ambry Variant Classification Scheme 2023. Collection method: clinical testing. Allele origin: germline.

GeneDx
Classification: Uncertain significance. Last evaluated: 2022-08-25. Review status: criteria provided, single submitter. Criteria: GeneDx Variant Classification Process June 2021. Collection method: clinical testing. Allele origin: germline. Affected: yes.
Comment: Functional studies demonstrate that the E83K variant exhibits significantly less enzymatic activity than wild type GPD1L, resulting in reduction in sodium channel current (Van Norstrand et al., 2007; Valdivia et al., 2009); In silico analysis supports that this missense variant does not alter protein structure/function; This variant is associated with the following publications: (PMID: 19606473, 21937582, 30662450, 25395996, 31043699, 30847666, 31980526, 19666841, 34957250, 29077258, 17967976)

Fulgent Genetics
Classification: Uncertain significance for Brugada syndrome 2. Last evaluated: 2021-10-29. Review status: criteria provided, single submitter. Criteria: ACMG Guidelines, 2015. Collection method: clinical testing. Allele origin: unknown.

AiLife Diagnostics
Classification: Uncertain significance. Last evaluated: 2020-06-01. Review status: criteria provided, single submitter. Criteria: ACMG Guidelines, 2015. Collection method: clinical testing. Allele origin: germline. Affected: yes. Observed: 1 variant allele.

OMIM
Classification: Pathogenic for BRUGADA SYNDROME 2. Last evaluated: 2007-11-13. Review status: no assertion criteria provided. Collection method: literature only. Allele origin: germline. Not counted in ClinVar's aggregate classification.

Clinical Genetics, Academic Medical Center
Classification: Uncertain significance. Review status: no assertion criteria provided. Collection method: clinical testing. Allele origin: germline. Affected: yes. Study: VKGL Data-share Consensus. Not counted in ClinVar's aggregate classification.

GeneReviews
No classification provided. Condition: Brugada syndrome 2. Review status: no classification provided. Collection method: literature only. Allele origin: germline. Affected: yes. Not counted in ClinVar's aggregate classification.

Genome Diagnostics Laboratory, University Medical Center Utrecht
Classification: Uncertain significance. Review status: no assertion criteria provided. Collection method: clinical testing. Allele origin: germline. Affected: yes. Study: VKGL Data-share Consensus. Not counted in ClinVar's aggregate classification.

Joint Genome Diagnostic Labs from Nijmegen and Maastricht, Radboudumc and MUMC+
Classification: Uncertain significance. Review status: no assertion criteria provided. Collection method: clinical testing. Allele origin: germline. Affected: yes. Study: VKGL Data-share Consensus. Not counted in ClinVar's aggregate classification.

Literature cited by the submitters: PubMed 17967976 (cited by 4 submitters); PubMed 30847666 (cited by Labcorp Genetics (formerly Invitae), Labcorp and Ambry Genetics); PubMed 31980526 (cited by Labcorp Genetics (formerly Invitae), Labcorp); PubMed 19666841 (cited by Labcorp Genetics (formerly Invitae), Labcorp and Ambry Genetics); PubMed 29077258 (cited by Ambry Genetics); PubMed 30662450 (cited by Ambry Genetics and AiLife Diagnostics); PubMed 31043699 (cited by AiLife Diagnostics); NCBI Bookshelf NBK1517 (cited by GeneReviews).